The following is an entry in ClinVar:

ClinVar aggregate classification (germline): Uncertain significance (1 of 4 stars; one submission).

Submission:

Labcorp Genetics (formerly Invitae), Labcorp
Classification: Uncertain significance. Last evaluated: 2022-05-23. Review status: criteria provided, single submitter. Criteria: Invitae Variant Classification Sherloc (09022015). Collection method: clinical testing. Allele origin: germline.
Comment: In summary, the available evidence is currently insufficient to determine the role of this variant in disease. Therefore, it has been classified as a Variant of Uncertain Significance. This variant has not been reported in the literature in individuals affected with TRMT5-related conditions. This variant is present in population databases (rs767561502, gnomAD 0.003%). This sequence change creates a premature translational stop signal (p.Val364Lysfs*4) in the TRMT5 gene. It is expected to result in an absent or disrupted protein product. However, the current clinical and genetic evidence is not sufficient to establish whether loss-of-function variants in TRMT5 cause disease.

NM_020810.3(TRMT5):c.1090_1093del (p.Val364fs)

Gene: TRMT5 (tRNA methyltransferase 5; minus strand). Cytogenetic location: 14q23.1.
Variant type: Deletion.
Coding change: c.1090_1093del on transcript NM_020810.3 (MANE Select); coding-DNA positions 1090 to 1093, 4 bases deleted (GTCA; older notation c.1090_1093delGTCA).
Protein change: p.Val364fs; shifts the reading frame from valine 364.
Molecular consequence: frameshift variant.
Genome position (GRCh38, 1-based): chr14:60,975,826-60,975,829, TGAC deleted on the plus strand (GTCA on the coding strand, the reverse complement: TRMT5 is on the minus strand); deleting any 4 consecutive bases within chr14:60,975,826-60,975,831 gives the same sequence; the c. name uses the placement nearest the transcript's 3' end. VCF-style (leftmost placement, unchanged base first): chr14-60975825-TTGAC-T. GRCh37 (hg19) VCF-style: chr14-61442543-TTGAC-T.
Other names: c.1174_1177del, p.Val392fs (NM_001350253.1); c.1171_1174del, p.Val391fs (NM_001350254.1); short protein forms V364fs, V391fs, V392fs.
Identifiers: ClinVar variation 1918771 (VCV001918771.3), dbSNP rs767561502, ClinGen allele CA7213773.